The following is an entry in ClinVar:

ClinVar aggregate classification (germline): Conflicting classifications of pathogenicity. Review status: criteria provided, conflicting classifications (1 of 4 stars). 4 submissions from 4 submitters: Uncertain significance (3); Likely benign (1). Last evaluated 2026-02-24.

Conditions:
OPA1-related disorder. Also called: OPA1-related disorders; OPA1-related condition.
Childhood onset hearing loss.

Allele frequency attached by ClinVar (database versions not stated): gnomAD 0.00002; gnomAD exomes 0.00002; ExAC 0.00003; TOPMed 0.00005; ESP Exome Variant Server 0.00008.
gnomAD v4.1: 19 of 1,589,286 alleles (0.0012%); highest among the groups gnomAD compares: African/African-American, 0.0067%; no homozygotes.

Submissions (4):

PreventionGenetics, part of Exact Sciences
Classification: Uncertain significance for OPA1-related condition. Last evaluated: 2026-02-24. Review status: criteria provided, single submitter. Criteria: ACMG Guidelines, 2015. Collection method: clinical testing. Allele origin: germline.
Comment: The OPA1 c.2959C>T variant is predicted to result in the amino acid substitution p.Arg987Cys. This variant, also referred to in the literature as c.2794C>T (p.Arg932Cys) in transcript NM_015560, has been reported in individuals with optic atrophy (Ferré et al.2009. PubMed ID: 19319978; Nochez et al. 2009. PubMed ID: 19325939) and in a pair of twins with syndromic hearing loss (Adeyemo et al. 2021. PubMed ID: 34837038). In vitro analysis using patient fibroblasts suggests this variant may impact the electron transport chain (Nochez et al. 2009. PubMed ID: 19325939). This variant is present in 0.0080% of alleles in individuals of African descent in gnomAD, which may be too common compared to the few reports in the literature. Although we suspect that this variant may be benign, at this time, the clinical significance of this variant is uncertain due to the absence of conclusive functional and genetic evidence.

Labcorp Genetics (formerly Invitae), Labcorp
Classification: Likely benign. Last evaluated: 2025-08-14. Review status: criteria provided, single submitter. Criteria: Invitae Variant Classification Sherloc (09022015). Collection method: clinical testing. Allele origin: germline.

GeneDx
Classification: Uncertain significance. Last evaluated: 2025-02-06. Review status: criteria provided, single submitter. Criteria: GeneDx Variant Classification Process June 2021. Collection method: clinical testing. Allele origin: germline. Affected: yes.
Comment: In silico analysis supports that this missense variant has a deleterious effect on protein structure/function; Also known as c.2959C>T p.(R987C); Identified in a patient with hearing loss and classified as a variant of uncertain significance in published literature (PMID: 34837038); This variant is associated with the following publications: (PMID: 33884488, 34837038, 19325939)

National Institute on Deafness and Communication Disorders, National Institutes of Health
Classification: Uncertain significance for Childhood onset hearing loss. Last evaluated: 2021-07-08. Review status: criteria provided, single submitter. Criteria: ClinGen HL ACMG Specifications v1. Collection method: research. Allele origin: germline. Inheritance: Autosomal dominant inheritance. Affected: yes. Observed: 2 heterozygotes. Clinical features observed: Childhood onset hearing loss. Segregation with disease observed.
Comment: PP3 / Modifications from PMID: 30311386 for classification: The genetic causes of hearing loss have not yet been well characterized in the Yoruba population, and the information regarding variant MAF in this population is still limited, so we did not exclude any variant based on their "high" MAF. PP3 criteria was applied even if the REVEL score was below 0.7, if at least two of the pathogenicity prediction algorithms used predicted that the variant was damaging or likely damaging.

NM_130837.3(OPA1):c.2959C>T (p.Arg987Cys)

Gene: OPA1 (OPA1 mitochondrial dynamin like GTPase; plus strand). Cytogenetic location: 3q29.
Variant type: single nucleotide variant.
Coding change: c.2959C>T on transcript NM_130837.3 (MANE Select); coding-DNA position 2959, C replaced by T.
Protein change: p.Arg987Cys; replaces arginine 987 with cysteine.
Molecular consequence: missense variant.
Genome position (GRCh38, 1-based): chr3:193,667,256, C>T. VCF-style: chr3-193667256-C-T. GRCh37 (hg19) VCF-style: chr3-193385045-C-T.
Other names: c.2851C>T, p.Arg951Cys (NM_130835.3); c.2905C>T, p.Arg969Cys (NM_130836.3); c.2959C>T (NM_130837.2); c.2425C>T, p.Arg809Cys (NM_001354663.2); c.2422C>T, p.Arg808Cys (NM_001354664.2); c.2794C>T, p.Arg932Cys (NM_015560.3); c.2686C>T, p.Arg896Cys (NM_130831.3); c.2740C>T, p.Arg914Cys (NM_130832.3); and 2 more; short protein forms R808C, R809C, R896C, R914C, R932C, R933C, R950C, R951C.
Identifiers: ClinVar variation 1027567 (VCV001027567.10), dbSNP rs145710079, ClinGen allele CA2759785.